The following is an entry in ClinVar:

NM_015073.3(SIPA1L3):c.216C>T (p.Pro72=)

Gene: SIPA1L3 (signal induced proliferation associated 1 like 3; plus strand). Cytogenetic location: 19q13.13.
Variant type: single nucleotide variant.
Coding change: c.216C>T on transcript NM_015073.3 (MANE Select); coding-DNA position 216, C replaced by T.
Protein change: p.Pro72=; no amino-acid change (proline 72 retained).
Molecular consequence: synonymous variant.
Genome position (GRCh38, 1-based): chr19:38,081,781, C>T. VCF-style: chr19-38081781-C-T. GRCh37 (hg19) VCF-style: chr19-38572421-C-T.
Other names: c.216C>T (NM_015073.2).
Identifiers: ClinVar variation 2672761 (VCV002672761.25), dbSNP rs776331340, ClinGen allele CA9409059.
Genomic context (GRCh38, chr19:38,081,781, plus strand): 5'-GAGCCCGGCCACCGCCACCGCCACCGCCACCGCCACCACCCGCCCCAGCCCCACCACTCC[C>T]GCAATGCCCAAGATGGGCGTGCGCGCAAGGGTGGCCGACTGGCCGCCCAAGCGGGAGGCC-3'
Protein context (NP_055888.1, residues 62-82): TATTRPSPTT[Pro72=]AMPKMGVRAR

ClinVar aggregate classification (germline): Likely benign. Review status: criteria provided, multiple submitters, no conflicts (2 of 4 stars). 3 submissions from 3 submitters: Likely benign (2). 1 of the submissions does not count toward it. Last evaluated 2025-04-22.

Conditions:
SIPA1L3-related disorder. Also called: SIPA1L3-related condition.

Allele frequency attached by ClinVar (database versions not stated): TOPMed 0.00015.
gnomAD v4.1: 590 of 1,610,896 alleles (0.037%); highest among the groups gnomAD compares: South Asian, 0.076%; 2 homozygotes.

Submissions (3):

Labcorp Genetics (formerly Invitae), Labcorp
Classification: Likely benign. Last evaluated: 2025-04-22. Review status: criteria provided, single submitter. Criteria: Invitae Variant Classification Sherloc (09022015). Collection method: clinical testing. Allele origin: germline.

CeGaT Center for Human Genetics Tuebingen
Classification: Likely benign. Last evaluated: 2023-11-01. Review status: criteria provided, single submitter. Criteria: CeGaT Center For Human Genetics Tuebingen Variant Classification Criteria Version 2. Collection method: clinical testing. Allele origin: germline. Affected: yes. Observed: 1 variant allele.
Comment: SIPA1L3: BP4, BP7

PreventionGenetics, part of Exact Sciences
Classification: Likely benign for SIPA1L3-related condition. Last evaluated: 2019-08-13. Review status: no assertion criteria provided. Collection method: clinical testing. Allele origin: germline. Not counted in ClinVar's aggregate classification.
Comment: This variant is classified as likely benign based on ACMG/AMP sequence variant interpretation guidelines (Richards et al. 2015 PMID: 25741868, with internal and published modifications).